The following is an entry in ClinVar:

NM_005257.6(GATA6):c.1303C>A (p.Pro435Thr)

Gene: GATA6 (GATA binding protein 6; plus strand). Cytogenetic location: 18q11.2.
Variant type: single nucleotide variant.
Coding change: c.1303C>A on transcript NM_005257.6 (MANE Select); coding-DNA position 1303, C replaced by A.
Protein change: p.Pro435Thr; replaces proline 435 with threonine.
Molecular consequence: missense variant.
Genome position (GRCh38, 1-based): chr18:22,181,453, C>A. VCF-style: chr18-22181453-C-A. GRCh37 (hg19) VCF-style: chr18-19761414-C-A.
Other names: c.1303C>A (NM_005257.3); short protein forms P435T.
Identifiers: ClinVar variation 965411 (VCV000965411.11), dbSNP rs1182565719, ClinGen allele CA401802270.
Genomic context (GRCh38, chr18:22,181,453, plus strand): 5'-TATGTAATATATATATATGTCACTTATATTTTTCCACTTATGTTCTTGTACTGTTTCTAG[C>A]CTTCATCACGGCGGCTTGGATTGTCCTGTGCCAACTGTCACACCACAACTACCACCTTAT-3'
Protein context (NP_005248.2, residues 425-445): RPLIKPQKRV[Pro435Thr]SSRRLGLSCA

ClinVar aggregate classification (germline): Uncertain significance. Review status: criteria provided, multiple submitters, no conflicts (2 of 4 stars). 2 submissions from 2 submitters: Uncertain significance (2). Last evaluated 2024-10-28.

Conditions:
Atrioventricular septal defect 5 (AVSD5). Identifiers: MedGen C3280939, MONDO:0013769, OMIM 614474.
Inborn genetic diseases. Identifiers: MedGen C0950123, MeSH D030342.

Allele frequency attached by ClinVar (database versions not stated): gnomAD exomes below 0.00001 and 0.00001; TOPMed 0.00001.
gnomAD v4.1: 2 of 1,614,096 alleles (0.00012%); highest among the groups gnomAD compares: Admixed American, 0.0033%; no homozygotes.

Submissions (2):

Labcorp Genetics (formerly Invitae), Labcorp
Classification: Uncertain significance for Atrioventricular septal defect 5. Last evaluated: 2024-10-28. Review status: criteria provided, single submitter. Criteria: Invitae Variant Classification Sherloc (09022015). Collection method: clinical testing. Allele origin: germline.
Comment: This sequence change replaces proline, which is neutral and non-polar, with threonine, which is neutral and polar, at codon 435 of the GATA6 protein (p.Pro435Thr). This variant is present in population databases (no rsID available, gnomAD 0.006%). This variant has not been reported in the literature in individuals affected with GATA6-related conditions. ClinVar contains an entry for this variant (Variation ID: 965411). An algorithm developed to predict the effect of missense changes on protein structure and function (PolyPhen-2) suggests that this variant is likely to be disruptive. In summary, the available evidence is currently insufficient to determine the role of this variant in disease. Therefore, it has been classified as a Variant of Uncertain Significance.

Ambry Genetics
Classification: Uncertain significance for Inborn genetic diseases. Last evaluated: 2021-07-09. Review status: criteria provided, single submitter. Criteria: Ambry Variant Classification Scheme 2023. Collection method: clinical testing. Allele origin: germline.